The following is an entry in ClinVar:

ClinVar aggregate classification (germline): Uncertain significance. Review status: criteria provided, multiple submitters, no conflicts (2 of 4 stars). 3 submissions from 3 submitters: Uncertain significance (3). Last evaluated 2026-02-03.

Conditions:
Neuropathy, hereditary sensory, type 2C. Also called: Hereditary sensory and autonomic neuropathy type IIC; KIF1A-Related HSAN2 (HSAN2C). Identifiers: Orphanet 970, MedGen C3280168, MONDO:0013634, OMIM 614213.
Intellectual disability, autosomal dominant 9 (NESCAVS). Also called: KIF1A-Related Neurodevelopmental Disorder; NESCAV SYNDROME. Identifiers: Orphanet 662367, MedGen C5393830, MONDO:0013656, OMIM 614255.
Hereditary spastic paraplegia 30. Identifiers: Orphanet 101010, MedGen C5235139, MONDO:0012476.

Allele frequency attached by ClinVar (database versions not stated): gnomAD exomes below 0.00001.
gnomAD v4.1: 3 of 1,612,334 alleles (0.00019%); highest among the groups gnomAD compares: South Asian, 0.0011%; no homozygotes.

Submissions (3):

Labcorp Genetics (formerly Invitae), Labcorp
Classification: Uncertain significance for Hereditary spastic paraplegia 30; Neuropathy, hereditary sensory, type 2C; Intellectual disability, autosomal dominant 9. Last evaluated: 2026-02-03. Review status: criteria provided, single submitter. Criteria: Invitae Variant Classification Sherloc (09022015). Collection method: clinical testing. Allele origin: germline.
Comment: This sequence change replaces aspartic acid, which is acidic and polar, with asparagine, which is neutral and polar, at codon 1018 of the KIF1A protein (p.Asp1018Asn). This variant is not present in population databases (gnomAD no frequency). This variant has not been reported in the literature in individuals affected with KIF1A-related conditions. ClinVar contains an entry for this variant (Variation ID: 1311456). Invitae Evidence Modeling of protein sequence and biophysical properties (such as structural, functional, and spatial information, amino acid conservation, physicochemical variation, residue mobility, and thermodynamic stability) has been performed for this missense variant. However, the output from this modeling did not meet the statistical confidence thresholds required to predict the impact of this variant on KIF1A protein function. In summary, the available evidence is currently insufficient to determine the role of this variant in disease. Therefore, it has been classified as a Variant of Uncertain Significance.

GeneDx
Classification: Uncertain significance. Last evaluated: 2024-06-20. Review status: criteria provided, single submitter. Criteria: GeneDx Variant Classification Process June 2021. Collection method: clinical testing. Allele origin: germline. Affected: yes.
Comment: Not observed at significant frequency in large population cohorts (gnomAD); In silico analysis supports that this missense variant has a deleterious effect on protein structure/function; Has not been previously published as pathogenic or benign to our knowledge

Blueprint Genetics
Classification: Uncertain significance. Last evaluated: 2023-09-19. Review status: criteria provided, single submitter. Criteria: ACMG Guidelines, 2015. Collection method: clinical testing. Allele origin: germline.

NM_001244008.2(KIF1A):c.3355G>A (p.Asp1119Asn)

Gene: KIF1A (kinesin family member 1A; minus strand). Cytogenetic location: 2q37.3.
Variant type: single nucleotide variant.
Coding change: c.3355G>A on transcript NM_001244008.2 (MANE Select); coding-DNA position 3355, G replaced by A.
Protein change: p.Asp1119Asn; replaces aspartic acid 1119 with asparagine.
Molecular consequence: missense variant.
Genome position (GRCh38, 1-based): chr2:240,745,757, C>T on the plus strand (G>A on the coding strand, the complement: KIF1A is on the minus strand). VCF-style: chr2-240745757-C-T. GRCh37 (hg19) VCF-style: chr2-241685174-C-T.
Other names: c.3079G>A, p.Asp1027Asn (NM_001320705.2, NM_001330289.2, NM_001379638.1); c.3154G>A, p.Asp1052Asn (NM_001330290.2, NM_001379634.1, NM_001379635.1 and 1 more transcripts); c.3430G>A, p.Asp1144Asn (NM_001379631.1); c.3304G>A, p.Asp1102Asn (NM_001379632.1); c.3328G>A, p.Asp1110Asn (NM_001379633.1, NM_001379642.1, NM_001379645.1); c.3052G>A, p.Asp1018Asn (NM_001379636.1, NM_001379639.1, NM_001379641.1 and 5 more transcripts); c.3127G>A, p.Asp1043Asn (NM_001379637.1, NM_001379648.1); c.3049G>A, p.Asp1017Asn (NM_001379640.1); short protein forms D1017N, D1018N, D1027N, D1043N, D1052N, D1102N, D1110N, D1119N.
Identifiers: ClinVar variation 1311456 (VCV001311456.6), dbSNP rs2125791109, ClinGen allele CA351317757.